The following is an entry in ClinVar:

NM_001134407.3(GRIN2A):c.3485A>G (p.Asp1162Gly)

Gene: GRIN2A (glutamate ionotropic receptor NMDA type subunit 2A; minus strand). Cytogenetic location: 16p13.2.
Variant type: single nucleotide variant.
Coding change: c.3485A>G on transcript NM_001134407.3 (MANE Select); coding-DNA position 3485, A replaced by G.
Protein change: p.Asp1162Gly; replaces aspartic acid 1162 with glycine.
Molecular consequence: missense variant.
Genome position (GRCh38, 1-based): chr16:9,764,059, T>C on the plus strand (A>G on the coding strand, the complement: GRIN2A is on the minus strand). VCF-style: chr16-9764059-T-C. GRCh37 (hg19) VCF-style: chr16-9857916-T-C.
Other names: c.3485A>G, p.Asp1162Gly (NM_000833.5, NM_001134408.2); short protein forms D1162G.
Identifiers: ClinVar variation 2095639 (VCV002095639.4), dbSNP rs2141131755, ClinGen allele CA394707568.

ClinVar aggregate classification (germline): Uncertain significance (1 of 4 stars; one submission).

Conditions:
Landau-Kleffner syndrome (FESD). Also called: EPILEPSY, FOCAL, WITH SPEECH DISORDER AND WITH OR WITHOUT MENTAL RETARDATION; APHASIA, ACQUIRED, WITH EPILEPSY. Identifiers: Orphanet 1945, Orphanet 725, Orphanet 98818, MedGen C0282512, MONDO:0009509, OMIM 245570.

Submission:

Labcorp Genetics (formerly Invitae), Labcorp
Classification: Uncertain significance for Landau-Kleffner syndrome. Last evaluated: 2022-02-09. Review status: criteria provided, single submitter. Criteria: Invitae Variant Classification Sherloc (09022015). Collection method: clinical testing. Allele origin: germline.
Comment: In summary, the available evidence is currently insufficient to determine the role of this variant in disease. Therefore, it has been classified as a Variant of Uncertain Significance. Advanced modeling of protein sequence and biophysical properties (such as structural, functional, and spatial information, amino acid conservation, physicochemical variation, residue mobility, and thermodynamic stability) performed at Invitae indicates that this missense variant is not expected to disrupt GRIN2A protein function. This variant has not been reported in the literature in individuals affected with GRIN2A-related conditions. This variant is not present in population databases (gnomAD no frequency). This sequence change replaces aspartic acid, which is acidic and polar, with glycine, which is neutral and non-polar, at codon 1162 of the GRIN2A protein (p.Asp1162Gly).